The following is an entry in ClinVar:

ClinVar aggregate classification (germline): Conflicting classifications of pathogenicity. Review status: criteria provided, conflicting classifications (1 of 4 stars). 3 submissions from 3 submitters: Uncertain significance (2); Likely benign (1). Last evaluated 2025-06-08.

Conditions:
Melnick-Needles syndrome (MNS). Also called: MELNICK-NEEDLES OSTEODYSPLASTY; OSTEODYSPLASTY OF MELNICK AND NEEDLES; Melnick-Needles Syndrome (FLNA-MNS). Identifiers: Orphanet 2484, MedGen C0025237, MONDO:0010650, OMIM 309350.
Frontometaphyseal dysplasia (FMD1). Identifiers: MONDO:0015942, Orphanet 1826, MedGen C0265293.
Oto-palato-digital syndrome, type II (OPD2). Also called: Otopalatodigital Syndrome, Type II; FACIOPALATOOSSEOUS SYNDROME; OPD II SYNDROME; Otopalatodigital Syndrome Type 2 (FLNA-OPD2). Identifiers: Orphanet 669, Orphanet 90652, MedGen C1844696, MONDO:0010571, OMIM 304120.
Heterotopia, periventricular, X-linked dominant (PVNH1). Also called: X-linked periventricular heterotopia; PERIVENTRICULAR NODULAR HETEROTOPIA 4; HETEROTOPIA, PERIVENTRICULAR, 1; PERIVENTRICULAR NODULAR HETEROTOPIA 1. Identifiers: Orphanet 2149, Orphanet 82004, MedGen C1848213, MONDO:0010233, OMIM 300049.

Allele frequency attached by ClinVar (database versions not stated): gnomAD exomes below 0.00001 and 0.00001; TOPMed below 0.00001.
gnomAD v4.1: 2 of 1,210,691 alleles (0.00017%); highest among the groups gnomAD compares: Non-Finnish European, 0.00022%; no homozygotes.

Submissions (3):

Labcorp Genetics (formerly Invitae), Labcorp
Classification: Likely benign for Oto-palato-digital syndrome, type II; Heterotopia, periventricular, X-linked dominant; Frontometaphyseal dysplasia; Melnick-Needles syndrome. Last evaluated: 2025-06-08. Review status: criteria provided, single submitter. Criteria: Invitae Variant Classification Sherloc (09022015). Collection method: clinical testing. Allele origin: germline.

Mayo Clinic Laboratories, Mayo Clinic
Classification: Uncertain significance. Last evaluated: 2025-03-31. Review status: criteria provided, single submitter. Criteria: ACMG Guidelines, 2015. Collection method: clinical testing. Allele origin: germline. Observed: 1 variant allele.
Comment: BP4

GeneDx
Classification: Uncertain significance. Last evaluated: 2024-08-21. Review status: criteria provided, single submitter. Criteria: GeneDx Variant Classification Process June 2021. Collection method: clinical testing. Allele origin: germline. Affected: yes.
Comment: In silico analysis supports that this missense variant has a deleterious effect on protein structure/function; Has not been previously published as pathogenic or benign to our knowledge

NM_001110556.2(FLNA):c.1346C>A (p.Thr449Asn)

Gene: FLNA (filamin A; minus strand). Cytogenetic location: Xq28.
Variant type: single nucleotide variant.
Coding change: c.1346C>A on transcript NM_001110556.2 (MANE Select); coding-DNA position 1346, C replaced by A.
Protein change: p.Thr449Asn; replaces threonine 449 with asparagine.
Molecular consequence: missense variant.
Genome position (GRCh38, 1-based): chrX:154,366,107, G>T on the plus strand (C>A on the coding strand, the complement: FLNA is on the minus strand). VCF-style: chrX-154366107-G-T. GRCh37 (hg19) VCF-style: chrX-153594475-G-T.
Other names: p.Thr449Asn; c.1346C>A, p.Thr449Asn (NM_001456.4); short protein forms T449N.
Identifiers: ClinVar variation 1302251 (VCV001302251.10), dbSNP rs1304244536, ClinGen allele CA415243773.
Genomic context (GRCh38, chrX:154,366,107, plus strand): 5'-GGGCTGCGAGGGATGGGCACGCCGGCAAACGTGACGTGCACGGTGTGGACGCCCTCCATG[G>T]TGGGCTGGTAGCTGCAGCGGTATGTGCTGTCGCCCCGGGCCTCCAGCTGAGGCTCTACCG-3'
Protein context (NP_001104026.1, residues 439-459): DSTYRCSYQP[Thr449Asn]MEGVHTVHVT